The following is an entry in ClinVar:

ClinVar aggregate classification (germline): Uncertain significance (1 of 4 stars; one submission).

Submission:

Labcorp Genetics (formerly Invitae), Labcorp
Classification: Uncertain significance. Last evaluated: 2024-12-02. Review status: criteria provided, single submitter. Criteria: Invitae Variant Classification Sherloc (09022015). Collection method: clinical testing. Allele origin: germline.
Comment: This sequence change replaces aspartic acid, which is acidic and polar, with tyrosine, which is neutral and polar, at codon 67 of the TNNT3 protein (p.Asp67Tyr). This variant is not present in population databases (gnomAD no frequency). This variant has not been reported in the literature in individuals affected with TNNT3-related conditions. An algorithm developed to predict the effect of missense changes on protein structure and function (PolyPhen-2) suggests that this variant is likely to be disruptive. In summary, the available evidence is currently insufficient to determine the role of this variant in disease. Therefore, it has been classified as a Variant of Uncertain Significance.

NM_006757.4(TNNT3):c.199G>T (p.Asp67Tyr)

Gene: TNNT3 (troponin T3, fast skeletal type; plus strand). Cytogenetic location: 11p15.5.
Variant type: single nucleotide variant.
Coding change: c.199G>T on transcript NM_006757.4 (MANE Select); coding-DNA position 199, G replaced by T.
Protein change: p.Asp67Tyr; replaces aspartic acid 67 with tyrosine.
Molecular consequence: missense variant. On other transcripts: 5 prime UTR variant (2).
Genome position (GRCh38, 1-based): chr11:1,933,748, G>T. VCF-style: chr11-1933748-G-T. GRCh37 (hg19) VCF-style: chr11-1954978-G-T.
Other names: c.175G>T, p.Asp59Tyr (NM_001042780.3, NM_001042782.3, NM_001297646.2 and 2 more transcripts); c.193G>T, p.Asp65Tyr (NM_001042781.3, NM_001367842.1, NM_001367843.1); c.208G>T, p.Asp70Tyr (NM_001363561.2, NM_001367847.1); c.232G>T, p.Asp78Tyr (NM_001367846.1); c.196G>T, p.Asp66Tyr (NM_001367848.1); c.187G>T, p.Asp63Tyr (NM_001367849.1); c.142G>T, p.Asp48Tyr (NM_001367850.1); c.-6G>T (NM_001367851.1, NM_001367852.1); short protein forms D59Y, D67Y, D70Y, D48Y, D65Y, D78Y, D63Y, D66Y.
Identifiers: ClinVar variation 3639545 (VCV003639545.2).
Genomic context (GRCh38, chr11:1,933,748, plus strand): 5'-GGTGGGGCTCACACCCACTGCCCCTGCCCACAGGACATCCAGAAGAAGCGTCAGAACAAA[G>T]ACCTAATGGAGCTCCAGGCCCTCATCGACAGCCACTTTGAAGCCCGGAAGAAGGAGGAGG-3'
Protein context (NP_006748.1, residues 57-77): DDIQKKRQNK[Asp67Tyr]LMELQALIDS